The following is an entry in ClinVar:

ClinVar aggregate classification (germline): Likely benign. Review status: criteria provided, multiple submitters, no conflicts (2 of 4 stars). 3 submissions from 3 submitters: Likely benign (2). 1 of the submissions does not count toward it. Last evaluated 2026-01-24.

Conditions:
Sphingolipid activator protein 1 deficiency. Also called: METACHROMATIC LEUKODYSTROPHY DUE TO CEREBROSIDE SULFATASE ACTIVATOR DEFICIENCY; Saposin B Deficiency; Metachromatic leukodystrophy due to saposin B deficiency. Identifiers: Orphanet 512, MedGen C0268262, MONDO:0009590, OMIM 249900.
Metachromatic leukodystrophy (MLD). Also called: ARSA DEFICIENCY; CEREBROSIDE SULFATASE DEFICIENCY; METACHROMATIC LEUKOENCEPHALOPATHY; Cerebral sclerosis diffuse metachromatic form; Arylsulfatase A Deficiency; SULFATIDE LIPIDOSIS. Identifiers: Orphanet 512, MedGen C0023522, MONDO:0018868, OMIM 250100.

Allele frequency attached by ClinVar (database versions not stated): gnomAD 0.00001 and 0.00002; TOPMed 0.00004; 1000 Genomes Project 30x 0.00031; 1000 Genomes Project 0.00040.
gnomAD v4.1: 117 of 1,614,002 alleles (0.0072%); highest among the groups gnomAD compares: South Asian, 0.041%; 1 homozygote.

Submissions (3):

Labcorp Genetics (formerly Invitae), Labcorp
Classification: Likely benign for Sphingolipid activator protein 1 deficiency. Last evaluated: 2026-01-24. Review status: criteria provided, single submitter. Criteria: Invitae Variant Classification Sherloc (09022015). Collection method: clinical testing. Allele origin: germline.

CeGaT Center for Human Genetics Tuebingen
Classification: Likely benign. Last evaluated: 2022-12-01. Review status: criteria provided, single submitter. Criteria: CeGaT Center For Human Genetics Tuebingen Variant Classification Criteria Version 2. Collection method: clinical testing. Allele origin: germline. Affected: yes. Observed: 1 variant allele.
Comment: PSAP: BP4, BP7

Natera, Inc.
Classification: Likely benign for Metachromatic leukodystrophy. Last evaluated: 2020-08-26. Review status: no assertion criteria provided. Collection method: clinical testing. Allele origin: germline. Not counted in ClinVar's aggregate classification.

NM_002778.4(PSAP):c.1422C>T (p.Phe474=)

Gene: PSAP (prosaposin; minus strand). Cytogenetic location: 10q22.1.
Variant type: single nucleotide variant.
Coding change: c.1422C>T on transcript NM_002778.4 (MANE Select); coding-DNA position 1422, C replaced by T.
Protein change: p.Phe474=; no amino-acid change (phenylalanine 474 retained).
Molecular consequence: synonymous variant.
Genome position (GRCh38, 1-based): chr10:71,819,040, G>A on the plus strand (C>T on the coding strand, the complement: PSAP is on the minus strand). VCF-style: chr10-71819040-G-A. GRCh37 (hg19) VCF-style: chr10-73578797-G-A.
Other names: c.1431C>T, p.Phe477= (NM_001042465.3); c.1428C>T, p.Phe476= (NM_001042466.3).
Identifiers: ClinVar variation 718764 (VCV000718764.36), dbSNP rs528318545, ClinGen allele CA5547360.
Genomic context (GRCh38, chr10:71,819,040, plus strand): 5'-CCCCCCAGGTTACAGCTGCCCGAGAGGACCACACCACCCAGTGAGGCTCACCAAGCACAC[G>A]AAGGAAGGATCCATCACCTCCACCAGGATCTCGATCAGCACGGGCTCGTACTCTGCCACA-3'
Protein context (NP_002769.1, residues 464-484): EILVEVMDPS[Phe474=]VCLKIGACPS